The following is an entry in ClinVar:

NM_199420.4(POLQ):c.5395A>G (p.Ile1799Val)

Gene: POLQ (DNA polymerase theta; minus strand). Cytogenetic location: 3q13.33.
Variant type: single nucleotide variant.
Coding change: c.5395A>G on transcript NM_199420.4 (MANE Select); coding-DNA position 5395, A replaced by G.
Protein change: p.Ile1799Val; replaces isoleucine 1799 with valine.
Molecular consequence: missense variant.
Genome position (GRCh38, 1-based): chr3:121,487,536, T>C on the plus strand (A>G on the coding strand, the complement: POLQ is on the minus strand). VCF-style: chr3-121487536-T-C. GRCh37 (hg19) VCF-style: chr3-121206383-T-C.
Other names: short protein forms I1799V.
Identifiers: ClinVar variation 1747245 (VCV001747245.2), dbSNP rs61734810, ClinGen allele CA81833032.

ClinVar aggregate classification (germline): Uncertain significance (1 of 4 stars; one submission).

gnomAD v4.1: 2 of 1,614,070 alleles (0.00012%); highest among the groups gnomAD compares: Non-Finnish European, 0.00017%; no homozygotes.

Submission:

Ambry Genetics
Classification: Uncertain significance. Last evaluated: 2023-10-13. Review status: criteria provided, single submitter. Criteria: Ambry Variant Classification Scheme 2023. Collection method: clinical testing. Allele origin: germline.
Comment: The p.I1799V variant (also known as c.5395A>G), located in coding exon 16 of the POLQ gene, results from an A to G substitution at nucleotide position 5395. The isoleucine at codon 1799 is replaced by valine, an amino acid with highly similar properties. This amino acid position is conserved. In addition, this alteration is predicted to be tolerated by in silico analysis. Since supporting evidence is limited at this time, the clinical significance of this alteration remains unclear.